The following is an entry in ClinVar:

ClinVar aggregate classification (germline): Pathogenic (1 of 4 stars; one submission).

Allele frequency attached by ClinVar (database versions not stated): gnomAD exomes below 0.00001.

Submission:

Labcorp Genetics (formerly Invitae), Labcorp
Classification: Pathogenic. Last evaluated: 2022-07-25. Review status: criteria provided, single submitter. Criteria: Invitae Variant Classification Sherloc (09022015). Collection method: clinical testing. Allele origin: germline.
Comment: This sequence change creates a premature translational stop signal (p.Cys110*) in the TYRP1 gene. It is expected to result in an absent or disrupted protein product. Loss-of-function variants in TYRP1 are known to be pathogenic (PMID: 8651291, 9345097). This variant is not present in population databases (gnomAD no frequency). For these reasons, this variant has been classified as Pathogenic. This variant has not been reported in the literature in individuals affected with TYRP1-related conditions.

Literature cited by the submitters: PubMed 8651291; PubMed 9345097.

NM_000550.3(TYRP1):c.325_328dup (p.Cys110Ter)

Gene: TYRP1 (tyrosinase related protein 1; plus strand). Cytogenetic location: 9p23.
Variant type: Duplication.
Coding change: c.325_328dup on transcript NM_000550.3 (MANE Select); coding-DNA positions 325 to 328, 4 bases duplicated (AACT; older notation c.325_328dupAACT).
Protein change: p.Cys110Ter; replaces cysteine 110 with a stop codon.
Molecular consequence: nonsense.
Genome position (GRCh38, 1-based): chr9:12,694,321-12,694,324, AACT duplicated. VCF-style (leftmost placement, unchanged base first): chr9-12694320-C-CAACT. GRCh37 (hg19) VCF-style: chr9-12694320-C-CAACT.
Other names: short protein forms C110*.
Identifiers: ClinVar variation 1934514 (VCV001934514.5), dbSNP rs2537274535, ClinGen allele CA2580079181.
Genomic context (GRCh38, chr9:12,694,320, plus strand): 5'-GGTCTGGCCCTTGCGCTTCTTCAATAGGACATGTCACTGCAACGGCAATTTCTCAGGACA[C>CAACT]AACTGTGGGACGTGCCGTCCTGGCTGGAGAGGAGCTGCCTGTGACCAGAGGGTTCTCATA-3'